The following is an entry in ClinVar:

NM_006904.7(PRKDC):c.10796C>G (p.Thr3599Ser)

Gene: PRKDC (protein kinase, DNA-activated, catalytic subunit; minus strand). Cytogenetic location: 8q11.21.
Variant type: single nucleotide variant.
Coding change: c.10796C>G on transcript NM_006904.7 (MANE Select); coding-DNA position 10796, C replaced by G.
Protein change: p.Thr3599Ser; replaces threonine 3599 with serine.
Molecular consequence: missense variant.
Genome position (GRCh38, 1-based): chr8:47,789,012, G>C on the plus strand (C>G on the coding strand, the complement: PRKDC is on the minus strand). VCF-style: chr8-47789012-G-C. GRCh37 (hg19) VCF-style: chr8-48701573-G-C.
Other names: c.10796C>G, p.Thr3599Ser (NM_001081640.2); short protein forms T3599S.
Identifiers: ClinVar variation 1352180 (VCV001352180.8), dbSNP rs147753989, ClinGen allele CA4739237.

ClinVar aggregate classification (germline): Uncertain significance. Review status: criteria provided, multiple submitters, no conflicts (2 of 4 stars). 3 submissions from 3 submitters: Uncertain significance (3). Last evaluated 2022-08-16.

Conditions:
Severe combined immunodeficiency due to DNA-PKcs deficiency. Also called: IMMUNODEFICIENCY 26 WITH NEUROLOGIC ABNORMALITIES; Immunodeficiency 26 with or without neurologic abnormalities. Identifiers: Orphanet 317425, MedGen C4014833, MONDO:0014423, OMIM 615966.

Allele frequency attached by ClinVar (database versions not stated): gnomAD 0.00002 and 0.00005; gnomAD exomes 0.00007; ExAC 0.00010; 1000 Genomes Project 30x 0.00031; 1000 Genomes Project 0.00040.
gnomAD v4.1: 211 of 1,612,588 alleles (0.013%); highest among the groups gnomAD compares: East Asian, 0.46%; no homozygotes.

Submissions (3):

Labcorp Genetics (formerly Invitae), Labcorp
Classification: Uncertain significance for Severe combined immunodeficiency due to DNA-PKcs deficiency. Last evaluated: 2022-08-16. Review status: criteria provided, single submitter. Criteria: Invitae Variant Classification Sherloc (09022015). Collection method: clinical testing. Allele origin: germline.
Comment: This sequence change replaces threonine, which is neutral and polar, with serine, which is neutral and polar, at codon 3599 of the PRKDC protein (p.Thr3599Ser). This variant is present in population databases (rs147753989, gnomAD 0.09%). This variant has not been reported in the literature in individuals affected with PRKDC-related conditions. ClinVar contains an entry for this variant (Variation ID: 1352180). In summary, the available evidence is currently insufficient to determine the role of this variant in disease. Therefore, it has been classified as a Variant of Uncertain Significance.

Ambry Genetics
Classification: Uncertain significance. Last evaluated: 2022-04-25. Review status: criteria provided, single submitter. Criteria: Ambry Variant Classification Scheme 2023. Collection method: clinical testing. Allele origin: germline.
Comment: The p.T3599S variant (also known as c.10796C>G), located in coding exon 76 of the PRKDC gene, results from a C to G substitution at nucleotide position 10796. The threonine at codon 3599 is replaced by serine, an amino acid with similar properties. This amino acid position is conserved. Since supporting evidence is limited at this time, the clinical significance of this alteration remains unclear.

Fulgent Genetics
Classification: Uncertain significance for Severe combined immunodeficiency due to DNA-PKcs deficiency. Last evaluated: 2022-03-31. Review status: criteria provided, single submitter. Criteria: ACMG Guidelines, 2015. Collection method: clinical testing. Allele origin: unknown.